The following is an entry in ClinVar:

ClinVar aggregate classification (germline): Uncertain significance (1 of 4 stars; one submission).

Conditions:
Microcephaly, normal intelligence and immunodeficiency (NBS). Also called: Ataxia telangiectasia variant V1; Nijmegen breakage syndrome; Immunodeficiency, microcephaly with normal intelligence; IMMUNODEFICIENCY, MICROCEPHALY, AND CHROMOSOMAL INSTABILITY; SEEMANOVA SYNDROME II; BERLIN BREAKAGE SYNDROME. Identifiers: Orphanet 647, MedGen C0398791, MONDO:0009623, OMIM 251260.

Submission:

Labcorp Genetics (formerly Invitae), Labcorp
Classification: Uncertain significance for Microcephaly, normal intelligence and immunodeficiency. Last evaluated: 2021-06-05. Review status: criteria provided, single submitter. Criteria: Invitae Variant Classification Sherloc (09022015). Collection method: clinical testing. Allele origin: germline.
Comment: This variant is not present in population databases (ExAC no frequency). In summary, the available evidence is currently insufficient to determine the role of this variant in disease. Therefore, it has been classified as a Variant of Uncertain Significance. Algorithms developed to predict the effect of missense changes on protein structure and function are either unavailable or do not agree on the potential impact of this missense change (SIFT: "Deleterious"; PolyPhen-2: "Probably Damaging"; Align-GVGD: "Class C0"). This variant has not been reported in the literature in individuals with NBN-related conditions. This sequence change replaces serine with tyrosine at codon 117 of the NBN protein (p.Ser117Tyr). The serine residue is highly conserved and there is a large physicochemical difference between serine and tyrosine.

NM_002485.5(NBN):c.350C>A (p.Ser117Tyr)

Gene: NBN (nibrin; minus strand). Cytogenetic location: 8q21.3.
Variant type: single nucleotide variant.
Coding change: c.350C>A on transcript NM_002485.5 (MANE Select); coding-DNA position 350, C replaced by A.
Protein change: p.Ser117Tyr; replaces serine 117 with tyrosine.
Molecular consequence: missense variant.
Genome position (GRCh38, 1-based): chr8:89,980,864, G>T on the plus strand (C>A on the coding strand, the complement: NBN is on the minus strand). VCF-style: chr8-89980864-G-T. GRCh37 (hg19) VCF-style: chr8-90993092-G-T.
Other names: c.104C>A, p.Ser35Tyr (NM_001024688.3); short protein forms S117Y, S35Y.
Identifiers: ClinVar variation 835667 (VCV000835667.9), dbSNP rs1060503468, ClinGen allele CA371662106.